The following is an entry in ClinVar:

ClinVar aggregate classification (germline): Uncertain significance (1 of 4 stars; one submission).

Allele frequency attached by ClinVar (database versions not stated): TOPMed below 0.00001; gnomAD 0.00001; 1000 Genomes Project 30x 0.00016; 1000 Genomes Project 0.00020.

Submission:

Labcorp Genetics (formerly Invitae), Labcorp
Classification: Uncertain significance. Last evaluated: 2022-04-04. Review status: criteria provided, single submitter. Criteria: Invitae Variant Classification Sherloc (09022015). Collection method: clinical testing. Allele origin: germline.
Comment: This sequence change replaces leucine, which is neutral and non-polar, with arginine, which is basic and polar, at codon 830 of the PCARE protein (p.Leu830Arg). In summary, the available evidence is currently insufficient to determine the role of this variant in disease. Therefore, it has been classified as a Variant of Uncertain Significance. Algorithms developed to predict the effect of missense changes on protein structure and function (SIFT, PolyPhen-2, Align-GVGD) all suggest that this variant is likely to be disruptive. This variant has not been reported in the literature in individuals affected with PCARE-related conditions. This variant is not present in population databases (gnomAD no frequency).

NM_001029883.3(PCARE):c.2489T>G (p.Leu830Arg)

Gene: PCARE (photoreceptor cilium actin regulator; minus strand). Cytogenetic location: 2p23.2.
Variant type: single nucleotide variant.
Coding change: c.2489T>G on transcript NM_001029883.3 (MANE Select); coding-DNA position 2489, T replaced by G.
Protein change: p.Leu830Arg; replaces leucine 830 with arginine.
Molecular consequence: missense variant.
Genome position (GRCh38, 1-based): chr2:29,071,773, A>C on the plus strand (T>G on the coding strand, the complement: PCARE is on the minus strand). VCF-style: chr2-29071773-A-C. GRCh37 (hg19) VCF-style: chr2-29294639-A-C.
Other names: short protein forms L830R.
Identifiers: ClinVar variation 1964305 (VCV001964305.5), dbSNP rs201125083, ClinGen allele CA44640972.